The following is an entry in ClinVar:

NM_001035.3(RYR2):c.2624C>G (p.Pro875Arg)

Gene: RYR2 (ryanodine receptor 2; plus strand). Cytogenetic location: 1q43.
Variant type: single nucleotide variant.
Coding change: c.2624C>G on transcript NM_001035.3 (MANE Select); coding-DNA position 2624, C replaced by G.
Protein change: p.Pro875Arg; replaces proline 875 with arginine.
Molecular consequence: missense variant.
Genome position (GRCh38, 1-based): chr1:237,506,720, C>G. VCF-style: chr1-237506720-C-G. GRCh37 (hg19) VCF-style: chr1-237670020-C-G.
Other names: short protein forms P875R.
Identifiers: ClinVar variation 3072719 (VCV003072719.1), dbSNP rs2545920146, ClinGen allele CA345380945.

ClinVar aggregate classification (germline): Uncertain significance (1 of 4 stars; one submission).

Conditions:
Catecholaminergic polymorphic ventricular tachycardia (CVPT). Also called: Catecholamine-induced polymorphic ventricular tachycardia. Identifiers: Orphanet 3286, MedGen C5574922, MONDO:0017990.

Submission:

All of Us Research Program, National Institutes of Health
Classification: Uncertain significance for Catecholaminergic polymorphic ventricular tachycardia. Last evaluated: 2023-08-15. Review status: criteria provided, single submitter. Criteria: ACMG Guidelines, 2015. Collection method: clinical testing. Allele origin: germline. Inheritance: Autosomal dominant inheritance. Observed: 1 variant allele, 1 heterozygote.
Comment: This missense variant replaces proline with arginine at codon 875 of the RYR2 protein. Computational prediction suggests that this variant may have deleterious impact on protein structure and function (internally defined REVEL score threshold >= 0.7, PMID: 27666373). To our knowledge, functional studies have not been reported for this variant. This variant has not been reported in individuals affected with RYR2-related disorders in the literature. This variant has not been identified in the general population by the Genome Aggregation Database (gnomAD). The available evidence is insufficient to determine the role of this variant in disease conclusively. Therefore, this variant is classified as a Variant of Uncertain Significance.

This study involves interpretation of variants in research participants for the purpose of population health screening. Participant phenotype was not available at the time of variant classification. Additional details can be found in publication PMID: 35346344, PMCID: PMC8962531